The following is an entry in ClinVar:

ClinVar aggregate classification (germline): Uncertain significance. Review status: criteria provided, multiple submitters, no conflicts (2 of 4 stars). 3 submissions from 3 submitters: Uncertain significance (3). Last evaluated 2026-03-06.

Allele frequency attached by ClinVar (database versions not stated): gnomAD exomes 0.00003 and 0.00009; ExAC 0.00012; 1000 Genomes Project 30x 0.00031; TOPMed 0.00039; 1000 Genomes Project 0.00040; gnomAD 0.00045 and 0.00047; ESP Exome Variant Server 0.00046.
gnomAD v4.1: 122 of 1,614,214 alleles (0.0076%); highest among the groups gnomAD compares: African/African-American, 0.15%; no homozygotes.

Submissions (3):

GeneDx
Classification: Uncertain significance. Last evaluated: 2026-03-06. Review status: criteria provided, single submitter. Criteria: GeneDx Variant Classification Process June 2021. Collection method: clinical testing. Allele origin: germline.
Comment: In silico analysis suggests that this missense variant does not alter protein structure/function; Has not been previously published as pathogenic or benign to our knowledge

Labcorp Genetics (formerly Invitae), Labcorp
Classification: Uncertain significance. Last evaluated: 2026-01-22. Review status: criteria provided, single submitter. Criteria: Invitae Variant Classification Sherloc (09022015). Collection method: clinical testing. Allele origin: germline.
Comment: This sequence change replaces valine, which is neutral and non-polar, with isoleucine, which is neutral and non-polar, at codon 605 of the TFRC protein (p.Val605Ile). This variant is present in population databases (rs149088653, gnomAD 0.1%), and has an allele count higher than expected for a pathogenic variant. This variant has not been reported in the literature in individuals affected with TFRC-related conditions. ClinVar contains an entry for this variant (Variation ID: 1373209). Invitae Evidence Modeling of protein sequence and biophysical properties (such as structural, functional, and spatial information, amino acid conservation, physicochemical variation, residue mobility, and thermodynamic stability) indicates that this missense variant is not expected to disrupt TFRC protein function with a negative predictive value of 80%. In summary, the available evidence is currently insufficient to determine the role of this variant in disease. Therefore, it has been classified as a Variant of Uncertain Significance.

Breakthrough Genomics
Classification: Uncertain significance. Review status: criteria provided, single submitter. Criteria: ACMG Guidelines, 2015. Collection method: not provided. Allele origin: germline. Inheritance: Autosomal recessive inheritance. Affected: yes.

NM_001128148.3(TFRC):c.1813G>A (p.Val605Ile)

Gene: TFRC (transferrin receptor; minus strand). Cytogenetic location: 3q29.
Variant type: single nucleotide variant.
Coding change: c.1813G>A on transcript NM_001128148.3 (MANE Select); coding-DNA position 1813, G replaced by A.
Protein change: p.Val605Ile; replaces valine 605 with isoleucine.
Molecular consequence: missense variant.
Genome position (GRCh38, 1-based): chr3:196,055,166, C>T on the plus strand (G>A on the coding strand, the complement: TFRC is on the minus strand). VCF-style: chr3-196055166-C-T. GRCh37 (hg19) VCF-style: chr3-195782037-C-T.
Other names: c.1570G>A, p.Val524Ile (NM_001313965.2); c.967G>A, p.Val323Ile (NM_001313966.2); c.1813G>A, p.Val605Ile (NM_003234.4); c.1813G>A (NM_003234.3); short protein forms V323I, V524I, V605I.
Identifiers: ClinVar variation 1373209 (VCV001373209.10), dbSNP rs149088653, ClinGen allele CA2777781.